The following is an entry in ClinVar:

NM_005996.4(TBX3):c.1097_1098delinsTT (p.Gly366Val)

Gene: TBX3 (T-box transcription factor 3; minus strand). Cytogenetic location: 12q24.21.
Variant type: Indel.
Coding change: c.1097_1098delinsTT on transcript NM_005996.4 (MANE Select); coding-DNA positions 1097 to 1098, GC replaced by TT.
Protein change: p.Gly366Val; replaces glycine 366 with valine.
Molecular consequence: missense variant.
Genome position (GRCh38, 1-based): chr12:114,674,777-114,674,778, GC replaced by AA on the plus strand (GC replaced by TT on the coding strand, the reverse complement: TBX3 is on the minus strand). VCF-style: chr12-114674777-GC-AA. GRCh37 (hg19) VCF-style: chr12-115112582-GC-AA.
Other names: c.1157_1158delinsTT, p.Gly386Val (NM_016569.4); short protein forms G386V, G366V.
Identifiers: ClinVar variation 2896872 (VCV002896872.3), dbSNP rs2499788146, ClinGen allele CA2739277325.

ClinVar aggregate classification (germline): Uncertain significance (1 of 4 stars; one submission).

Conditions:
Ulnar-mammary syndrome (UMS). Also called: Ulnar-mammary syndrome of Pallister; SCHINZEL SYNDROME; PALLISTER ULNAR-MAMMARY SYNDROME. Identifiers: Orphanet 3138, MedGen C1866994, MONDO:0008411, OMIM 181450.

Submission:

Labcorp Genetics (formerly Invitae), Labcorp
Classification: Uncertain significance for Ulnar-mammary syndrome. Last evaluated: 2023-08-06. Review status: criteria provided, single submitter. Criteria: Invitae Variant Classification Sherloc (09022015). Collection method: clinical testing. Allele origin: germline.
Comment: This sequence change replaces glycine, which is neutral and non-polar, with valine, which is neutral and non-polar, at codon 366 of the TBX3 protein (p.Gly366Val). Information on the frequency of this variant in the gnomAD database is not available, as this variant may be reported differently in the database. This variant has not been reported in the literature in individuals affected with TBX3-related conditions. An algorithm developed to predict the effect of missense changes on protein structure and function (PolyPhen-2) suggests that this variant is likely to be tolerated. In summary, the available evidence is currently insufficient to determine the role of this variant in disease. Therefore, it has been classified as a Variant of Uncertain Significance.